The following is an entry in ClinVar:

NM_001378457.1(DMXL2):c.2436+4_2436+7del

Gene: DMXL2 (Dmx like 2; minus strand). Cytogenetic location: 15q21.2.
Variant type: Microsatellite.
Coding change: c.2436+4_2436+7del on transcript NM_001378457.1 (MANE Select); bases 4 to 7 of the intron after coding-DNA position 2436, 4 bases deleted (AGTA; older notation c.2436+4_2436+7delAGTA).
Molecular consequence: splice donor variant.
Genome position (GRCh38, 1-based): chr15:51,535,656-51,535,659, TACT deleted on the plus strand (AGTA on the coding strand, the reverse complement: DMXL2 is on the minus strand); deleting any 4 consecutive bases within chr15:51,535,656-51,535,663 gives the same sequence; the c. name uses the placement nearest the transcript's 3' end. VCF-style (leftmost placement, unchanged base first): chr15-51535655-ATACT-A. GRCh37 (hg19) VCF-style: chr15-51827852-ATACT-A.
Other names: c.2436+4_2436+7del (NM_001378460.1, NM_001174117.3, NM_015263.5 and 6 more transcripts); c.2196+4_2196+7del (NM_001378464.1).
Identifiers: ClinVar variation 2024775 (VCV002024775.4), dbSNP rs2548601396, ClinGen allele CA2580613836.

ClinVar aggregate classification (germline): Uncertain significance (1 of 4 stars; one submission).

Submission:

Labcorp Genetics (formerly Invitae), Labcorp
Classification: Uncertain significance. Last evaluated: 2022-11-01. Review status: criteria provided, single submitter. Criteria: Invitae Variant Classification Sherloc (09022015). Collection method: clinical testing. Allele origin: germline.
Comment: This sequence change falls in intron 13 of the DMXL2 gene. It does not directly change the encoded amino acid sequence of the DMXL2 protein. It affects a nucleotide within the consensus splice site. This variant is not present in population databases (gnomAD no frequency). This variant has not been reported in the literature in individuals affected with DMXL2-related conditions. Variants that disrupt the consensus splice site are a relatively common cause of aberrant splicing (PMID: 17576681, 9536098). Algorithms developed to predict the effect of sequence changes on RNA splicing suggest that this variant may disrupt the consensus splice site. In summary, the available evidence is currently insufficient to determine the role of this variant in disease. Therefore, it has been classified as a Variant of Uncertain Significance.

Literature cited by the submitters: PubMed 17576681; PubMed 9536098.